The following is an entry in ClinVar:

ClinVar aggregate classification (germline): Uncertain significance (1 of 4 stars; one submission).

Conditions:
RASopathy. Also called: Noonan spectrum disorder; rasopathies. Identifiers: Orphanet 536391, MedGen C5555857, MONDO:0021060.

Submission:

Labcorp Genetics (formerly Invitae), Labcorp
Classification: Uncertain significance for RASopathy. Last evaluated: 2023-12-14. Review status: criteria provided, single submitter. Criteria: Invitae Variant Classification Sherloc (09022015). Collection method: clinical testing. Allele origin: germline.
Comment: This sequence change replaces isoleucine, which is neutral and non-polar, with valine, which is neutral and non-polar, at codon 186 of the MAP2K1 protein (p.Ile186Val). This variant is not present in population databases (gnomAD no frequency). This variant has not been reported in the literature in individuals affected with MAP2K1-related conditions. Advanced modeling of protein sequence and biophysical properties (such as structural, functional, and spatial information, amino acid conservation, physicochemical variation, residue mobility, and thermodynamic stability) performed at Invitae indicates that this missense variant is not expected to disrupt MAP2K1 protein function with a negative predictive value of 80%. In summary, the available evidence is currently insufficient to determine the role of this variant in disease. Therefore, it has been classified as a Variant of Uncertain Significance.

NM_002755.4(MAP2K1):c.556A>G (p.Ile186Val)

Gene: MAP2K1 (mitogen-activated protein kinase kinase 1; plus strand). Cytogenetic location: 15q22.31.
Variant type: single nucleotide variant.
Coding change: c.556A>G on transcript NM_002755.4 (MANE Select); coding-DNA position 556, A replaced by G.
Protein change: p.Ile186Val; replaces isoleucine 186 with valine.
Molecular consequence: missense variant.
Genome position (GRCh38, 1-based): chr15:66,444,695, A>G. VCF-style: chr15-66444695-A-G. GRCh37 (hg19) VCF-style: chr15-66737033-A-G.
Other names: c.412A>G, p.Ile138Val (NM_001411065.1); short protein forms I186V, I138V.
Identifiers: ClinVar variation 2695344 (VCV002695344.3), dbSNP rs1891816141, ClinGen allele CA392932267.